The following is an entry in ClinVar:

NM_001077365.2(POMT1):c.245del (p.Phe82fs)

Gene: POMT1 (protein O-mannosyltransferase 1; plus strand). Cytogenetic location: 9q34.13.
Variant type: Deletion.
Coding change: c.245del on transcript NM_001077365.2 (MANE Select); coding-DNA position 245, one base deleted (T; older notation c.245delT).
Protein change: p.Phe82fs; shifts the reading frame from phenylalanine 82.
Molecular consequence: frameshift variant. On other transcripts: 5 prime UTR variant (5), non-coding transcript variant (10), intron variant (3).
Genome position (GRCh38, 1-based): chr9:131,506,418, T deleted; the last of 2 consecutive T bases (chr9:131,506,417-131,506,418); deleting either gives the same sequence. VCF-style (leftmost placement, unchanged base first): chr9-131506416-AT-A. GRCh37 (hg19) VCF-style: chr9-134381803-AT-A.
Other names: c.83del, p.Phe28fs (NM_001077366.2, NM_001353194.2, NM_001353197.2 and 3 more transcripts); c.245del, p.Phe82fs (NM_001136113.2, NM_001353193.2, NM_001374690.1 and 1 more transcripts); c.-107del (NM_001136114.2, NM_001353195.2, NM_001353199.2); c.138del, p.Arg47fs (NM_001353196.2); c.-65del (NM_001353200.2); c.-745del (NM_001411024.1); c.-71-950del (NM_001374691.1, NM_001374692.1); c.-30+2078del (NM_001374695.1); short protein forms R47fs, F82fs, F28fs.
Identifiers: ClinVar variation 2922167 (VCV002922167.3), dbSNP rs2539060610, ClinGen allele CA2740092872.
Genomic context (GRCh38, chr9:131,506,416, plus strand): 5'-GAAATATTTGCTGAATGGGATAGTTACTGATTAATCTTCTGTTTCAGGTTATTTAGGAGG[AT>A]TCGATGGCAATTTTTTGTGGAACAGAATTGGAGCAGGTAAAAGATAATTTTCATTTCCCT-3'

ClinVar aggregate classification (germline): Pathogenic (1 of 4 stars; one submission).

Conditions:
Walker-Warburg congenital muscular dystrophy. Also called: Muscular dystrophy-dystroglycanopathy, type A; Walker-Warburg syndrome. Identifiers: Orphanet 899, MedGen C0265221, MONDO:0000171.
Muscular dystrophy-dystroglycanopathy (congenital with impaired intellectual development), type B, 1. Also called: MUSCULAR DYSTROPHY, CONGENITAL, POMT1-RELATED; Muscular dystrophy-dystroglycanopathy (congenital with intellectual disability), type B1. Identifiers: MedGen C5436962, MONDO:0013159, OMIM 613155.
Autosomal recessive limb-girdle muscular dystrophy type 2K. Also called: MUSCULAR DYSTROPHY-DYSTROGLYCANOPATHY (LIMB-GIRDLE), TYPE C, 1; MUSCULAR DYSTROPHY, LIMB-GIRDLE, TYPE 2K. Identifiers: Orphanet 86812, MedGen C1836373, MONDO:0012248, OMIM 609308.

Submission:

Labcorp Genetics (formerly Invitae), Labcorp
Classification: Pathogenic for Muscular dystrophy-dystroglycanopathy (congenital with impaired intellectual development), type B, 1; Walker-Warburg congenital muscular dystrophy; Autosomal recessive limb-girdle muscular dystrophy type 2K. Last evaluated: 2024-01-12. Review status: criteria provided, single submitter. Criteria: Invitae Variant Classification Sherloc (09022015). Collection method: clinical testing. Allele origin: germline.
Comment: This sequence change creates a premature translational stop signal (p.Phe82Serfs*41) in the POMT1 gene. It is expected to result in an absent or disrupted protein product. Loss-of-function variants in POMT1 are known to be pathogenic (PMID: 12369018, 15637732, 16575835). This variant is not present in population databases (gnomAD no frequency). This variant has not been reported in the literature in individuals affected with POMT1-related conditions. For these reasons, this variant has been classified as Pathogenic.

Literature cited by the submitters: PubMed 12369018; PubMed 15637732; PubMed 16575835.